The following is an entry in ClinVar:

ClinVar aggregate classification (germline): Pathogenic (1 of 4 stars; one submission).

Conditions:
Tuberous sclerosis 2 (TSC2). Identifiers: Orphanet 805, MedGen C1860707, MONDO:0013199, OMIM 613254.

Submission:

Labcorp Genetics (formerly Invitae), Labcorp
Classification: Pathogenic for Tuberous sclerosis 2. Last evaluated: 2022-12-01. Review status: criteria provided, single submitter. Criteria: Invitae Variant Classification Sherloc (09022015). Collection method: clinical testing. Allele origin: germline.
Comment: For these reasons, this variant has been classified as Pathogenic. This variant has not been reported in the literature in individuals affected with TSC2-related conditions. This variant is not present in population databases (gnomAD no frequency). This sequence change creates a premature translational stop signal (p.Ile1357Thrfs*26) in the TSC2 gene. It is expected to result in an absent or disrupted protein product. Loss-of-function variants in TSC2 are known to be pathogenic (PMID: 10205261, 17304050).

Literature cited by the submitters: PubMed 10205261; PubMed 17304050.

NM_000548.5(TSC2):c.4070del (p.Ile1357fs)

Gene: TSC2 (TSC complex subunit 2; plus strand). Cytogenetic location: 16p13.3.
Variant type: Deletion.
Coding change: c.4070del on transcript NM_000548.5 (MANE Select); coding-DNA position 4070, one base deleted (T; older notation c.4070delT).
Protein change: p.Ile1357fs; shifts the reading frame from isoleucine 1357.
Molecular consequence: frameshift variant. On other transcripts: non-coding transcript variant (5).
Genome position (GRCh38, 1-based): chr16:2,084,292, T deleted. VCF-style (leftmost placement, unchanged base first): chr16-2084291-AT-A. GRCh37 (hg19) VCF-style: chr16-2134292-AT-A.
Other names: c.3869del, p.Ile1290fs (NM_001077183.3); c.4001del, p.Ile1334fs (NM_001114382.3); c.3761del, p.Ile1254fs (NM_001318827.2); c.3725del, p.Ile1242fs (NM_001318829.2); c.3338del, p.Ile1113fs (NM_001318831.2); c.3902del, p.Ile1301fs (NM_001318832.2); c.3872del, p.Ile1291fs (NM_001363528.2); c.3938del, p.Ile1313fs (NM_001370404.1); and 26 more; short protein forms I1091fs, I1133fs, I1241fs, I1284fs, I1287fs, I1290fs, I1314fs, I1321fs.
Identifiers: ClinVar variation 2817812 (VCV002817812.3), dbSNP rs2544257930, ClinGen allele CA2739265839.